The following is an entry in ClinVar:

NM_001048174.2(MUTYH):c.1207C>G (p.Leu403Val)

Gene: MUTYH (mutY DNA glycosylase; minus strand). Cytogenetic location: 1p34.1.
Variant type: single nucleotide variant.
Coding change: c.1207C>G on transcript NM_001048174.2 (MANE Select); coding-DNA position 1207, C replaced by G.
Protein change: p.Leu403Val; replaces leucine 403 with valine.
Molecular consequence: missense variant. On other transcripts: non-coding transcript variant (2).
Genome position (GRCh38, 1-based): chr1:45,331,452, G>C on the plus strand (C>G on the coding strand, the complement: MUTYH is on the minus strand). VCF-style: chr1-45331452-G-C. GRCh37 (hg19) VCF-style: chr1-45797124-G-C.
Other names: c.1207C>G, p.Leu403Val (NM_001048171.2, NM_001048173.2, NM_001293195.2); c.1210C>G, p.Leu404Val (NM_001048172.2); c.1291C>G, p.Leu431Val (NM_001128425.2); c.1252C>G, p.Leu418Val (NM_001293190.2); c.1240C>G, p.Leu414Val (NM_001293191.2); c.931C>G, p.Leu311Val (NM_001293192.2, NM_001293196.2); c.862C>G, p.Leu288Val (NM_001350650.2, NM_001350651.2); c.1282C>G, p.Leu428Val (NM_012222.3); short protein forms L431V, L288V, L403V, L428V, L311V, L404V, L414V, L418V.
Identifiers: ClinVar variation 464685 (VCV000464685.23), dbSNP rs1280648051, ClinGen allele CA340132883.

ClinVar aggregate classification (germline): Conflicting classifications of pathogenicity. Review status: criteria provided, conflicting classifications (1 of 4 stars). 4 submissions from 4 submitters: Uncertain significance (3); Benign (1). Last evaluated 2025-09-09.

Conditions:
Hereditary cancer-predisposing syndrome. Also called: Neoplastic Syndromes, Hereditary; Tumor predisposition; Hereditary neoplastic syndrome; Hereditary Cancer Syndrome. Identifiers: Orphanet 140162, MedGen C0027672, MeSH D009386, MONDO:0015356.
Familial adenomatous polyposis 2. Also called: COLORECTAL ADENOMATOUS POLYPOSIS, AUTOSOMAL RECESSIVE; ADENOMAS, MULTIPLE COLORECTAL, AUTOSOMAL RECESSIVE; MUTYH-associated polyposis; FAP type 2; MUTYH-related attenuated familial adenomatous polyposis; Adenomas, multiple colorectal. Identifiers: Orphanet 220460, Orphanet 247798, MedGen C3272841, MONDO:0012041, OMIM 608456.

Allele frequency attached by ClinVar (database versions not stated): gnomAD exomes below 0.00001.

Submissions (4):

Ambry Genetics
Classification: Benign for Hereditary cancer-predisposing syndrome. Last evaluated: 2025-09-09. Review status: criteria provided, single submitter. Criteria: Ambry Variant Classification Scheme 2023. Collection method: clinical testing. Allele origin: germline.

Labcorp Genetics (formerly Invitae), Labcorp
Classification: Uncertain significance for Familial adenomatous polyposis 2. Last evaluated: 2025-02-03. Review status: criteria provided, single submitter. Criteria: Invitae Variant Classification Sherloc (09022015). Collection method: clinical testing. Allele origin: germline.
Comment: This sequence change replaces leucine, which is neutral and non-polar, with valine, which is neutral and non-polar, at codon 431 of the MUTYH protein (p.Leu431Val). This variant is present in population databases (no rsID available, gnomAD 0.0009%). This variant has not been reported in the literature in individuals affected with MUTYH-related conditions. ClinVar contains an entry for this variant (Variation ID: 464685). An algorithm developed to predict the effect of missense changes on protein structure and function outputs the following: PolyPhen-2: "Benign". The valine amino acid residue is found in multiple mammalian species, which suggests that this missense change does not adversely affect protein function. In summary, the available evidence is currently insufficient to determine the role of this variant in disease. Therefore, it has been classified as a Variant of Uncertain Significance.

All of Us Research Program, National Institutes of Health
Classification: Uncertain significance for Familial adenomatous polyposis 2. Last evaluated: 2024-03-24. Review status: criteria provided, single submitter. Criteria: ACMG Guidelines, 2015. Collection method: clinical testing. Allele origin: germline. Inheritance: Autosomal recessive inheritance. Observed: 2 variant alleles, 2 heterozygotes.
Comment: This missense variant replaces leucine with valine at codon 431 of the MUTYH protein. Computational prediction suggests that this variant may not impact protein structure and function (internally defined REVEL score threshold <= 0.5, PMID: 27666373). To our knowledge, functional studies have not been reported for this variant. This variant has not been reported in individuals affected with MUTYH-related disorders in the literature. This variant has been identified in 1/251326 chromosomes in the general population by the Genome Aggregation Database (gnomAD). The available evidence is insufficient to determine the role of this variant in disease conclusively. Therefore, this variant is classified as a Variant of Uncertain Significance.

This study involves interpretation of variants in research participants for the purpose of population health screening. Participant phenotype was not available at the time of variant classification. Additional details can be found in publication PMID: 35346344, PMCID: PMC8962531

Color Diagnostics, LLC DBA Color Health
Classification: Uncertain significance for Hereditary cancer-predisposing syndrome. Last evaluated: 2024-03-06. Review status: criteria provided, single submitter. Criteria: ACMG Guidelines, 2015. Collection method: clinical testing. Allele origin: germline.
Comment: This missense variant replaces leucine with valine at codon 431 of the MUTYH protein. Computational prediction suggests that this variant may not impact protein structure and function (internally defined REVEL score threshold <= 0.5, PMID: 27666373). To our knowledge, functional studies have not been reported for this variant. This variant has not been reported in individuals affected with MUTYH-related disorders in the literature. This variant has been identified in 1/251326 chromosomes in the general population by the Genome Aggregation Database (gnomAD). The available evidence is insufficient to determine the role of this variant in disease conclusively. Therefore, this variant is classified as a Variant of Uncertain Significance.